The following is an entry in ClinVar:

NM_015512.5(DNAH1):c.481C>T (p.Leu161Phe)

Gene: DNAH1 (dynein axonemal heavy chain 1; plus strand). Cytogenetic location: 3p21.1.
Variant type: single nucleotide variant.
Coding change: c.481C>T on transcript NM_015512.5 (MANE Select); coding-DNA position 481, C replaced by T.
Protein change: p.Leu161Phe; replaces leucine 161 with phenylalanine.
Molecular consequence: missense variant.
Genome position (GRCh38, 1-based): chr3:52,326,214, C>T. VCF-style: chr3-52326214-C-T. GRCh37 (hg19) VCF-style: chr3-52360230-C-T.
Other names: c.481C>T (NM_015512.4); short protein forms L161F.
Identifiers: ClinVar variation 2939491 (VCV002939491.4), dbSNP rs1440005574, ClinGen allele CA353087225.

ClinVar aggregate classification (germline): Uncertain significance. Review status: criteria provided, multiple submitters, no conflicts (2 of 4 stars). 2 submissions from 2 submitters: Uncertain significance (2). Last evaluated 2023-07-10.

Conditions:
Spermatogenic failure 18. Identifiers: MedGen C4539783, MONDO:0054615, OMIM 617576.
Ciliary dyskinesia, primary, 37 (CILD37). Also called: CILIARY DYSKINESIA, PRIMARY, 37, WITH OR WITHOUT SITUS INVERSUS. Identifiers: MedGen C4539798, MONDO:0033204, OMIM 617577.

Allele frequency attached by ClinVar (database versions not stated): gnomAD exomes below 0.00001; TOPMed below 0.00001.
gnomAD v4.1: 1 of 1,613,092 alleles (0.000062%); highest among the groups gnomAD compares: Admixed American, 0.0017%; no homozygotes.

Submissions (2):

Labcorp Genetics (formerly Invitae), Labcorp
Classification: Uncertain significance for Ciliary dyskinesia, primary, 37; Spermatogenic failure 18. Last evaluated: 2023-07-10. Review status: criteria provided, single submitter. Criteria: Invitae Variant Classification Sherloc (09022015). Collection method: clinical testing. Allele origin: germline.
Comment: This sequence change replaces leucine, which is neutral and non-polar, with phenylalanine, which is neutral and non-polar, at codon 161 of the DNAH1 protein (p.Leu161Phe). This variant is present in population databases (no rsID available, gnomAD 0.003%). This variant has not been reported in the literature in individuals affected with DNAH1-related conditions. An algorithm developed to predict the effect of missense changes on protein structure and function (PolyPhen-2) suggests that this variant is likely to be tolerated. In summary, the available evidence is currently insufficient to determine the role of this variant in disease. Therefore, it has been classified as a Variant of Uncertain Significance.

GeneDx
Classification: Uncertain significance. Last evaluated: 2023-06-06. Review status: criteria provided, single submitter. Criteria: GeneDx Variant Classification Process June 2021. Collection method: clinical testing. Allele origin: germline. Affected: yes.
Comment: Not observed at significant frequency in large population cohorts (gnomAD); In silico analysis supports that this missense variant does not alter protein structure/function; Has not been previously published as pathogenic or benign to our knowledge